The following is an entry in ClinVar:

ClinVar aggregate classification (germline): Benign. Review status: criteria provided, multiple submitters, no conflicts (2 of 4 stars). 4 submissions from 4 submitters: Benign (4). Last evaluated 2026-05-11.

Conditions:
3M syndrome 2. Also called: THREE M SYNDROME 2; 3-M Syndrome, OBSL1-Related. Identifiers: Orphanet 2616, MedGen C2752041, MONDO:0013039, OMIM 612921.

Allele frequency attached by ClinVar (database versions not stated): ExAC 0.01517; 1000 Genomes Project 30x 0.01874; TOPMed 0.01905; gnomAD 0.01798; 1000 Genomes Project 0.01677; ESP Exome Variant Server 0.01859.
gnomAD v4.1: 5,491 of 1,530,316 alleles (0.36%); highest among the groups gnomAD compares: African/African-American, 6.4%; 151 homozygotes.

Submissions (4):

Women's Health and Genetics/Laboratory Corporation of America, LabCorp
Classification: Benign. Last evaluated: 2026-05-11. Review status: criteria provided, single submitter. Criteria: LabCorp Variant Classification Summary - May 2015. Collection method: clinical testing. Allele origin: germline.

Labcorp Genetics (formerly Invitae), Labcorp
Classification: Benign. Last evaluated: 2026-01-28. Review status: criteria provided, single submitter. Criteria: Invitae Variant Classification Sherloc (09022015). Collection method: clinical testing. Allele origin: germline.

Illumina Laboratory Services, Illumina
Classification: Benign for 3M syndrome 2. Last evaluated: 2018-01-13. Review status: criteria provided, single submitter. Criteria: ICSL Variant Classification Criteria 13 December 2019. Collection method: clinical testing. Allele origin: germline.
Comment: This variant was observed in the ICSL laboratory as part of a predisposition screen in an ostensibly healthy population. It had not been previously curated by ICSL or reported in the Human Gene Mutation Database (HGMD: prior to June 1st, 2018), and was therefore a candidate for classification through an automated scoring system. Utilizing variant allele frequency, disease prevalence and penetrance estimates, and inheritance mode, an automated score was calculated to assess if this variant is too frequent to cause the disease. Based on the score and internal cut-off values, a variant classified as benign is not then subjected to further curation. The score for this variant resulted in a classification of benign for this disease.

Breakthrough Genomics
Classification: Benign. Review status: criteria provided, single submitter. Criteria: ACMG Guidelines, 2015. Collection method: not provided. Allele origin: germline. Inheritance: Autosomal recessive inheritance. Affected: yes.

NM_015311.3(OBSL1):c.4032C>G (p.Pro1344=)

Gene: OBSL1 (obscurin like cytoskeletal adaptor 1; minus strand). Cytogenetic location: 2q35.
Variant type: single nucleotide variant.
Coding change: c.4032C>G on transcript NM_015311.3 (MANE Select); coding-DNA position 4032, C replaced by G.
Protein change: p.Pro1344=; no amino-acid change (proline 1344 retained).
Molecular consequence: synonymous variant.
Genome position (GRCh38, 1-based): chr2:219,557,377, G>C on the plus strand (C>G on the coding strand, the complement: OBSL1 is on the minus strand). VCF-style: chr2-219557377-G-C. GRCh37 (hg19) VCF-style: chr2-220422099-G-C.
Other names: c.4032C>G, p.Pro1344= (NM_001173431.2).
Identifiers: ClinVar variation 334487 (VCV000334487.15), dbSNP rs112751766, ClinGen allele CA2130689.